The following is an entry in ClinVar:

ClinVar aggregate classification (germline): Uncertain significance. Review status: criteria provided, multiple submitters, no conflicts (2 of 4 stars). 2 submissions from 2 submitters: Uncertain significance (2). Last evaluated 2025-07-21.

Conditions:
Cardiovascular phenotype. Identifiers: MedGen CN230736.

Allele frequency attached by ClinVar (database versions not stated): TOPMed below 0.00001; ExAC 0.00001; gnomAD exomes 0.00001.

Submissions (2):

Ambry Genetics
Classification: Uncertain significance for Cardiovascular phenotype. Last evaluated: 2025-07-21. Review status: criteria provided, single submitter. Criteria: Ambry Variant Classification Scheme 2023. Collection method: clinical testing. Allele origin: germline.
Comment: The p.A664T variant (also known as c.1990G>A), located in coding exon 5 of the ALPK3 gene, results from a G to A substitution at nucleotide position 1990. The alanine at codon 664 is replaced by threonine, an amino acid with similar properties. This amino acid position is conserved. In addition, this alteration is predicted to be tolerated by in silico analysis. Based on the available evidence, the clinical significance of this variant remains unclear.

Labcorp Genetics (formerly Invitae), Labcorp
Classification: Uncertain significance. Last evaluated: 2023-08-10. Review status: criteria provided, single submitter. Criteria: Invitae Variant Classification Sherloc (09022015). Collection method: clinical testing. Allele origin: germline.
Comment: This sequence change replaces alanine, which is neutral and non-polar, with threonine, which is neutral and polar, at codon 664 of the ALPK3 protein (p.Ala664Thr). This variant is present in population databases (rs777370400, gnomAD 0.004%). This variant has not been reported in the literature in individuals affected with ALPK3-related conditions. ClinVar contains an entry for this variant (Variation ID: 1923163). Algorithms developed to predict the effect of missense changes on protein structure and function output the following: SIFT: "Not Available"; PolyPhen-2: "Benign"; Align-GVGD: "Not Available". The threonine amino acid residue is found in multiple mammalian species, which suggests that this missense change does not adversely affect protein function. In summary, the available evidence is currently insufficient to determine the role of this variant in disease. Therefore, it has been classified as a Variant of Uncertain Significance.

NM_020778.5(ALPK3):c.1384G>A (p.Ala462Thr)

Gene: ALPK3 (alpha kinase 3; plus strand). Cytogenetic location: 15q25.3.
Variant type: single nucleotide variant.
Coding change: c.1384G>A on transcript NM_020778.5 (MANE Select); coding-DNA position 1384, G replaced by A.
Protein change: p.Ala462Thr; replaces alanine 462 with threonine.
Molecular consequence: missense variant.
Genome position (GRCh38, 1-based): chr15:84,840,663, G>A. VCF-style: chr15-84840663-G-A. GRCh37 (hg19) VCF-style: chr15-85383894-G-A.
Other names: c.1990G>A (NM_020778.4); short protein forms A462T.
Identifiers: ClinVar variation 1923163 (VCV001923163.6), dbSNP rs777370400, ClinGen allele CA7709175.